The following is an entry in ClinVar:

ClinVar aggregate classification (germline): Uncertain significance (1 of 4 stars; one submission).

gnomAD v4.1: 1 of 1,608,232 alleles (0.000062%); highest among the groups gnomAD compares: Non-Finnish European, 0.000085%; no homozygotes.

Submission:

Labcorp Genetics (formerly Invitae), Labcorp
Classification: Uncertain significance. Last evaluated: 2021-08-25. Review status: criteria provided, single submitter. Criteria: Invitae Variant Classification Sherloc (09022015). Collection method: clinical testing. Allele origin: germline.
Comment: This sequence change replaces isoleucine with valine at codon 141 of the ADSSL1 protein (p.Ile141Val). There is a small physicochemical difference between isoleucine and valine. This variant is not present in population databases (ExAC no frequency). This variant has not been reported in the literature in individuals affected with ADSSL1-related conditions. Algorithms developed to predict the effect of missense changes on protein structure and function are either unavailable or do not agree on the potential impact of this missense change (SIFT: "Not Available"; PolyPhen-2: "Benign"; Align-GVGD: "Not Available"). In summary, the available evidence is currently insufficient to determine the role of this variant in disease. Therefore, it has been classified as a Variant of Uncertain Significance.

NM_152328.5(ADSS1):c.292A>G (p.Ile98Val)

Gene: ADSS1 (adenylosuccinate synthase 1; plus strand). Cytogenetic location: 14q32.33.
Variant type: single nucleotide variant.
Coding change: c.292A>G on transcript NM_152328.5 (MANE Select); coding-DNA position 292, A replaced by G.
Protein change: p.Ile98Val; replaces isoleucine 98 with valine.
Molecular consequence: missense variant. On other transcripts: 5 prime UTR variant (1).
Genome position (GRCh38, 1-based): chr14:104,735,119, A>G. VCF-style: chr14-104735119-A-G. GRCh37 (hg19) VCF-style: chr14-105201456-A-G.
Other names: c.-307A>G (NM_001320424.1); c.421A>G, p.Ile141Val (NM_199165.2); short protein forms I141V, I98V.
Identifiers: ClinVar variation 1681909 (VCV001681909.3), dbSNP rs1480614345, ClinGen allele CA391236069.